The following is an entry in ClinVar:

NM_153240.5(NPHP3):c.2442T>C (p.Tyr814=)

Genes: NPHP3 (nephrocystin 3; minus strand), NPHP3-ACAD11 (NPHP3-ACAD11 readthrough (NMD candidate); minus strand). Cytogenetic location: 3q22.1.
Variant type: single nucleotide variant.
Coding change: c.2442T>C on transcript NM_153240.5 (MANE Select); coding-DNA position 2442, T replaced by C.
Protein change: p.Tyr814=; no amino-acid change (tyrosine 814 retained).
Molecular consequence: synonymous variant. On other transcripts: non-coding transcript variant (1).
Genome position (GRCh38, 1-based): chr3:132,692,687, A>G on the plus strand (T>C on the coding strand, the complement: NPHP3 is on the minus strand). VCF-style: chr3-132692687-A-G. GRCh37 (hg19) VCF-style: chr3-132411531-A-G.
Identifiers: ClinVar variation 194799 (VCV000194799.34), dbSNP rs111683745, ClinGen allele CA240970.

ClinVar aggregate classification (germline): Conflicting classifications of pathogenicity. Review status: criteria provided, conflicting classifications (1 of 4 stars). 7 submissions from 7 submitters: Uncertain significance (1); Likely benign (4). 2 of the submissions do not count toward it. Last evaluated 2026-01-19.

Conditions:
Nephronophthisis. Also called: Juvenile Nephronophthisis. Identifiers: Orphanet 655, MedGen C0687120, MONDO:0019005, HP:0000090.

Allele frequency attached by ClinVar (database versions not stated): gnomAD exomes 0.00011 and 0.00014; ExAC 0.00012; ESP Exome Variant Server 0.00062; gnomAD 0.00063 and 0.00068; TOPMed 0.00070; 1000 Genomes Project 30x 0.00078; 1000 Genomes Project 0.00100.
gnomAD v4.1: 278 of 1,614,106 alleles (0.017%); highest among the groups gnomAD compares: Middle Eastern, 0.23%; no homozygotes.

Submissions (7):

Labcorp Genetics (formerly Invitae), Labcorp
Classification: Likely benign for Nephronophthisis. Last evaluated: 2026-01-19. Review status: criteria provided, single submitter. Criteria: Invitae Variant Classification Sherloc (09022015). Collection method: clinical testing. Allele origin: germline.

CeGaT Center for Human Genetics Tuebingen
Classification: Likely benign. Last evaluated: 2025-11-01. Review status: criteria provided, single submitter. Criteria: CeGaT Center For Human Genetics Tuebingen Variant Classification Criteria Version 2. Collection method: clinical testing. Allele origin: germline. Affected: yes. Observed: 2 variant alleles.
Comment: NPHP3: BP4, BP7

Blueprint Genetics
Classification: Likely benign. Last evaluated: 2024-10-11. Review status: criteria provided, single submitter. Criteria: ACMG Guidelines, 2015. Collection method: clinical testing. Allele origin: germline.

GeneDx
Classification: Likely benign. Last evaluated: 2020-02-14. Review status: criteria provided, single submitter. Criteria: GeneDx Variant Classification Process June 2021. Collection method: clinical testing. Allele origin: germline. Affected: yes.

Eurofins Ntd Llc (ga)
Classification: Uncertain significance. Last evaluated: 2018-05-08. Review status: criteria provided, single submitter. Criteria: EGL ClinVar v180209 classification definitions. Collection method: clinical testing. Allele origin: germline. Observed: 7 variant alleles, 7 heterozygotes.

Clinical Genetics DNA and cytogenetics Diagnostics Lab, Erasmus MC, Erasmus Medical Center
Classification: Likely benign. Review status: no assertion criteria provided. Collection method: clinical testing. Allele origin: germline. Affected: yes. Study: VKGL Data-share Consensus. Not counted in ClinVar's aggregate classification.

Clinical Genetics, Academic Medical Center
Classification: Likely benign. Review status: no assertion criteria provided. Collection method: clinical testing. Allele origin: germline. Affected: yes. Study: VKGL Data-share Consensus. Not counted in ClinVar's aggregate classification.